The following is an entry in ClinVar:

NM_014989.7(RIMS1):c.458A>C (p.Asn153Thr)

Gene: RIMS1 (regulating synaptic membrane exocytosis 1; plus strand). Cytogenetic location: 6q13.
Variant type: single nucleotide variant.
Coding change: c.458A>C on transcript NM_014989.7 (MANE Select); coding-DNA position 458, A replaced by C.
Protein change: p.Asn153Thr; replaces asparagine 153 with threonine.
Molecular consequence: missense variant.
Genome position (GRCh38, 1-based): chr6:72,097,161, A>C. VCF-style: chr6-72097161-A-C. GRCh37 (hg19) VCF-style: chr6-72806864-A-C.
Other names: c.455A>C, p.Asn152Thr (NM_001350411.1); c.377A>C, p.Asn126Thr (NM_001350412.1); c.458A>C, p.Asn153Thr (NM_001350413.1); short protein forms N126T, N153T, N152T.
Identifiers: ClinVar variation 908249 (VCV000908249.13), dbSNP rs552482751, ClinGen allele CA3885482.

ClinVar aggregate classification (germline): Benign/Likely benign. Review status: criteria provided, multiple submitters, no conflicts (2 of 4 stars). 3 submissions from 3 submitters: Benign (2); Likely benign (1). Last evaluated 2025-12-15.

Conditions:
Cone-rod dystrophy 7 (CORD7). Identifiers: Orphanet 1872, MedGen C1863634, MONDO:0011355, OMIM 603649.

Allele frequency attached by ClinVar (database versions not stated): gnomAD 0.00001 and 0.00035; TOPMed 0.00008; 1000 Genomes Project 0.00240; 1000 Genomes Project 30x 0.00265.
gnomAD v4.1: 997 of 1,613,408 alleles (0.062%); highest among the groups gnomAD compares: South Asian, 1%; 15 homozygotes.

Submissions (3):

Labcorp Genetics (formerly Invitae), Labcorp
Classification: Benign. Last evaluated: 2025-12-15. Review status: criteria provided, single submitter. Criteria: Invitae Variant Classification Sherloc (09022015). Collection method: clinical testing. Allele origin: germline.

Blueprint Genetics
Classification: Likely benign. Last evaluated: 2024-10-30. Review status: criteria provided, single submitter. Criteria: ACMG Guidelines, 2015. Collection method: clinical testing. Allele origin: germline.

Illumina Laboratory Services, Illumina
Classification: Benign for Cone-rod dystrophy 7. Last evaluated: 2018-01-13. Review status: criteria provided, single submitter. Criteria: ICSL Variant Classification Criteria 13 December 2019. Collection method: clinical testing. Allele origin: germline.
Comment: This variant was observed in the ICSL laboratory as part of a predisposition screen in an ostensibly healthy population. It had not been previously curated by ICSL or reported in the Human Gene Mutation Database (HGMD: prior to June 1st, 2018), and was therefore a candidate for classification through an automated scoring system. Utilizing variant allele frequency, disease prevalence and penetrance estimates, and inheritance mode, an automated score was calculated to assess if this variant is too frequent to cause the disease. Based on the score and internal cut-off values, a variant classified as benign is not then subjected to further curation. The score for this variant resulted in a classification of benign for this disease.